The following is an entry in ClinVar:

ClinVar aggregate classification (germline): Uncertain significance (1 of 4 stars; one submission).

gnomAD v4.1: 4 of 1,452,104 alleles (0.00028%); highest among the groups gnomAD compares: South Asian, 0.0056%; no homozygotes.

Submission:

Labcorp Genetics (formerly Invitae), Labcorp
Classification: Uncertain significance. Last evaluated: 2022-05-31. Review status: criteria provided, single submitter. Criteria: Invitae Variant Classification Sherloc (09022015). Collection method: clinical testing. Allele origin: germline.
Comment: In summary, the available evidence is currently insufficient to determine the role of this variant in disease. Therefore, it has been classified as a Variant of Uncertain Significance. Algorithms developed to predict the effect of missense changes on protein structure and function output the following: SIFT: "Tolerated"; PolyPhen-2: "Benign"; Align-GVGD: "Class C0". The threonine amino acid residue is found in multiple mammalian species, which suggests that this missense change does not adversely affect protein function. This variant has not been reported in the literature in individuals affected with COQ2-related conditions. This variant is not present in population databases (gnomAD no frequency). This sequence change replaces alanine, which is neutral and non-polar, with threonine, which is neutral and polar, at codon 87 of the COQ2 protein (p.Ala87Thr).

NM_001358921.2(COQ2):c.109G>A (p.Ala37Thr)

Genes: COQ2 (coenzyme Q2, polyprenyltransferase; minus strand), LOC112997540 (Sharpr-MPRA regulatory region 13773; plus strand). Cytogenetic location: 4q21.23.
Variant type: single nucleotide variant.
Coding change: c.109G>A on transcript NM_001358921.2 (MANE Select); coding-DNA position 109, G replaced by A.
Protein change: p.Ala37Thr; replaces alanine 37 with threonine.
Molecular consequence: missense variant.
Genome position (GRCh38, 1-based): chr4:83,284,656, C>T on the plus strand (G>A on the coding strand, the complement: COQ2 is on the minus strand). VCF-style: chr4-83284656-C-T. GRCh37 (hg19) VCF-style: chr4-84205809-C-T.
Other names: c.259G>A, p.Ala87Thr (NM_015697.9); short protein forms A37T, A87T.
Identifiers: ClinVar variation 2414927 (VCV002414927.5), dbSNP rs759773608, ClinGen allele CA2988682.
Genomic context (GRCh38, chr4:83,284,656, plus strand): 5'-TGAGCTGGCGCCCGCGCGGCTCGGGACAGGCGGGGGGCTGCAAGTCACCACCGTGGGGCG[C>T]GCCTGCCGCACGCGCCAGGGCGAAGGAGCGGCCCCGCCAGCCCGGCAGCCACGCCAGTGC-3'
Protein context (NP_001345850.1, residues 27-47): RSFALARAAG[Ala37Thr]PHGGDLQPPA